The following is an entry in ClinVar:

NM_006922.4(SCN3A):c.1198T>C (p.Tyr400His)

Gene: SCN3A (sodium voltage-gated channel alpha subunit 3; minus strand). Cytogenetic location: 2q24.3.
Variant type: single nucleotide variant.
Coding change: c.1198T>C on transcript NM_006922.4 (MANE Select); coding-DNA position 1198, T replaced by C.
Protein change: p.Tyr400His; replaces tyrosine 400 with histidine.
Molecular consequence: missense variant.
Genome position (GRCh38, 1-based): chr2:165,154,634, A>G on the plus strand (T>C on the coding strand, the complement: SCN3A is on the minus strand). VCF-style: chr2-165154634-A-G. GRCh37 (hg19) VCF-style: chr2-166011144-A-G.
Other names: c.1198T>C, p.Tyr400His (NM_001081676.2, NM_001081677.2); short protein forms Y400H.
Identifiers: ClinVar variation 1488785 (VCV001488785.6), dbSNP rs1688905184, ClinGen allele CA349238285.
Genomic context (GRCh38, chr2:165,154,634, plus strand): 5'-GGATCAAATTCACCAAATAAAATGAGCCCAAGAAAATGACCAGGACAAAAAATATCATGT[A>G]TGTTTTCCCAGCAGCACGTAATGTCTAGGGGAAATGGGGGATAATTCCATCAGTATTTTA-3'
Protein context (NP_008853.3, residues 390-410): QLTLRAAGKT[Tyr400His]MIFFVLVIFL

ClinVar aggregate classification (germline): Uncertain significance (1 of 4 stars; one submission).

Allele frequency attached by ClinVar (database versions not stated): gnomAD exomes below 0.00001; TOPMed below 0.00001.
gnomAD v4.1: 1 of 1,614,094 alleles (0.000062%); highest among the groups gnomAD compares: Non-Finnish European, 0.000085%; no homozygotes.

Submission:

Labcorp Genetics (formerly Invitae), Labcorp
Classification: Uncertain significance. Last evaluated: 2022-10-05. Review status: criteria provided, single submitter. Criteria: Invitae Variant Classification Sherloc (09022015). Collection method: clinical testing. Allele origin: germline.
Comment: In summary, the available evidence is currently insufficient to determine the role of this variant in disease. Therefore, it has been classified as a Variant of Uncertain Significance. Algorithms developed to predict the effect of missense changes on protein structure and function (SIFT, PolyPhen-2, Align-GVGD) all suggest that this variant is likely to be disruptive. ClinVar contains an entry for this variant (Variation ID: 1488785). This variant has not been reported in the literature in individuals affected with SCN3A-related conditions. This variant is not present in population databases (gnomAD no frequency). This sequence change replaces tyrosine, which is neutral and polar, with histidine, which is basic and polar, at codon 400 of the SCN3A protein (p.Tyr400His).